The following is an entry in ClinVar:

NM_000053.4(ATP7B):c.4296C>T (p.Ser1432=)

Gene: ATP7B (ATPase copper transporting beta; minus strand). Cytogenetic location: 13q14.3.
Variant type: single nucleotide variant.
Coding change: c.4296C>T on transcript NM_000053.4 (MANE Select); coding-DNA position 4296, C replaced by T.
Protein change: p.Ser1432=; no amino-acid change (serine 1432 retained).
Molecular consequence: synonymous variant.
Genome position (GRCh38, 1-based): chr13:51,934,858, G>A on the plus strand (C>T on the coding strand, the complement: ATP7B is on the minus strand). VCF-style: chr13-51934858-G-A. GRCh37 (hg19) VCF-style: chr13-52508994-G-A.
Other names: c.3675C>T, p.Ser1225= (NM_001005918.3); c.3963C>T, p.Ser1321= (NM_001243182.2); c.4062C>T, p.Ser1354= (NM_001330578.2); c.4044C>T, p.Ser1348= (NM_001330579.2).
Identifiers: ClinVar variation 871585 (VCV000871585.48), dbSNP rs776367340, ClinGen allele CA6988432.

ClinVar aggregate classification (germline): Likely benign. Review status: criteria provided, multiple submitters, no conflicts (2 of 4 stars). 3 submissions from 3 submitters: Likely benign (3). Last evaluated 2024-05-14.

Conditions:
Wilson disease (WND). Also called: Wilson's disease. Identifiers: Orphanet 905, MedGen C0019202, MONDO:0010200, OMIM 277900. Disease mechanism: loss of function.

Allele frequency attached by ClinVar (database versions not stated): gnomAD exomes below 0.00001 and 0.00001; ExAC 0.00001.
gnomAD v4.1: 7 of 1,614,216 alleles (0.00043%); highest among the groups gnomAD compares: Non-Finnish European, 0.00025%; no homozygotes.

Submissions (3):

All of Us Research Program, National Institutes of Health
Classification: Likely benign for Wilson disease. Last evaluated: 2024-05-14. Review status: criteria provided, single submitter. Criteria: ACMG Guidelines, 2015. Collection method: clinical testing. Allele origin: germline. Inheritance: Autosomal recessive inheritance. Observed: 2 variant alleles, 2 heterozygotes.
Comment: This study involves interpretation of variants in research participants for the purpose of population health screening. Participant phenotype was not available at the time of variant classification. Additional details can be found in publication PMID: 35346344, PMCID: PMC8962531

Labcorp Genetics (formerly Invitae), Labcorp
Classification: Likely benign for Wilson disease. Last evaluated: 2024-03-30. Review status: criteria provided, single submitter. Criteria: Invitae Variant Classification Sherloc (09022015). Collection method: clinical testing. Allele origin: germline.

CeGaT Center for Human Genetics Tuebingen
Classification: Likely benign. Last evaluated: 2020-01-01. Review status: criteria provided, single submitter. Criteria: CeGaT Center For Human Genetics Tuebingen Variant Classification Criteria Version 2. Collection method: clinical testing. Allele origin: germline. Affected: yes. Observed: 1 variant allele.